The following is an entry in ClinVar:

NM_176787.5(PIGN):c.2006G>C (p.Ser669Thr)

Gene: PIGN (phosphatidylinositol glycan anchor biosynthesis class N; minus strand). Cytogenetic location: 18q21.33.
Variant type: single nucleotide variant.
Coding change: c.2006G>C on transcript NM_176787.5 (MANE Select); coding-DNA position 2006, G replaced by C.
Protein change: p.Ser669Thr; replaces serine 669 with threonine.
Molecular consequence: missense variant.
Genome position (GRCh38, 1-based): chr18:62,101,146, C>G on the plus strand (G>C on the coding strand, the complement: PIGN is on the minus strand). VCF-style: chr18-62101146-C-G. GRCh37 (hg19) VCF-style: chr18-59768379-C-G.
Other names: c.2006G>C, p.Ser669Thr (NM_012327.6); short protein forms S669T.
Identifiers: ClinVar variation 3720031 (VCV003720031.2).

ClinVar aggregate classification (germline): Uncertain significance (1 of 4 stars; one submission).

Conditions:
Multiple congenital anomalies-hypotonia-seizures syndrome 1 (MCAHS1). Also called: GLYCOSYLPHOSPHATIDYLINOSITOL BIOSYNTHESIS DEFECT 3; PIGN-CDG; Congenital disorder of glycosylation due to PIGN deficiency. Identifiers: Orphanet 280633, MedGen C3279775, MONDO:0013563, OMIM 614080.

Submission:

Labcorp Genetics (formerly Invitae), Labcorp
Classification: Uncertain significance for Multiple congenital anomalies-hypotonia-seizures syndrome 1. Last evaluated: 2024-08-04. Review status: criteria provided, single submitter. Criteria: Invitae Variant Classification Sherloc (09022015). Collection method: clinical testing. Allele origin: germline.
Comment: This sequence change replaces serine, which is neutral and polar, with threonine, which is neutral and polar, at codon 669 of the PIGN protein (p.Ser669Thr). This variant is not present in population databases (gnomAD no frequency). This variant has not been reported in the literature in individuals affected with PIGN-related conditions. Advanced modeling of protein sequence and biophysical properties (such as structural, functional, and spatial information, amino acid conservation, physicochemical variation, residue mobility, and thermodynamic stability) performed at Invitae indicates that this missense variant is not expected to disrupt PIGN protein function with a negative predictive value of 80%. In summary, the available evidence is currently insufficient to determine the role of this variant in disease. Therefore, it has been classified as a Variant of Uncertain Significance.